The following is an entry in ClinVar:

NM_002454.3(MTRR):c.1911G>A (p.Ala637=)

Gene: MTRR (5-methyltetrahydrofolate-homocysteine methyltransferase reductase; plus strand). Cytogenetic location: 5p15.31.
Variant type: single nucleotide variant.
Coding change: c.1911G>A on transcript NM_002454.3 (MANE Select); coding-DNA position 1911, G replaced by A.
Protein change: p.Ala637=; no amino-acid change (alanine 637 retained).
Molecular consequence: synonymous variant. On other transcripts: non-coding transcript variant (14).
Genome position (GRCh38, 1-based): chr5:7,897,206, G>A. VCF-style: chr5-7897206-G-A. GRCh37 (hg19) VCF-style: chr5-7897319-G-A.
Other names: p.A664A:GCG>GCA; p.Ala637=; c.1911G>A, p.Ala637= (NM_001364440.2, NM_001364441.2, NM_001364442.2 and 1 more transcripts).
Identifiers: ClinVar variation 138302 (VCV000138302.24), dbSNP rs1802059, ClinGen allele CA292240.

ClinVar aggregate classification (germline): Benign. Review status: criteria provided, multiple submitters, no conflicts (2 of 4 stars). 11 submissions from 11 submitters: Benign (8). 3 of the submissions do not count toward it. Last evaluated 2026-02-04.

Conditions:
Disorders of Intracellular Cobalamin Metabolism. Identifiers: MedGen CN043592.
Methylcobalamin deficiency type cblE (HMAE). Also called: HOMOCYSTINURIA-MEGALOBLASTIC ANEMIA, cblE COMPLEMENTATION TYPE; HOMOCYSTINURIA-MEGALOBLASTIC ANEMIA, cblE TYPE; VITAMIN B12-RESPONSIVE HOMOCYSTINURIA, cblE TYPE. Identifiers: Orphanet 2169, Orphanet 622, MedGen C1856057, MONDO:0009354, OMIM 236270.

Allele frequency attached by ClinVar (database versions not stated): 1000 Genomes Project 30x 0.26452; 1000 Genomes Project 0.26637; TOPMed 0.30005; gnomAD exomes 0.30980 and 0.35020; gnomAD 0.31185 and 0.31218; ExAC 0.31420; ESP Exome Variant Server 0.32362.
gnomAD v4.1: 559,192 of 1,613,790 alleles (35%); highest among the groups gnomAD compares: Middle Eastern, 40%; 99,955 homozygotes.

Submissions (11):

Labcorp Genetics (formerly Invitae), Labcorp
Classification: Benign for Methylcobalamin deficiency type cblE. Last evaluated: 2026-02-04. Review status: criteria provided, single submitter. Criteria: Invitae Variant Classification Sherloc (09022015). Collection method: clinical testing. Allele origin: germline.

Women's Health and Genetics/Laboratory Corporation of America, LabCorp
Classification: Benign. Last evaluated: 2024-11-11. Review status: criteria provided, single submitter. Criteria: LabCorp Variant Classification Summary - May 2015. Collection method: clinical testing. Allele origin: germline.

Mayo Clinic Laboratories, Mayo Clinic
Classification: Benign. Last evaluated: 2022-03-31. Review status: criteria provided, single submitter. Criteria: ACMG Guidelines, 2015. Collection method: clinical testing. Allele origin: germline. Observed: 56 variant alleles.

Genome-Nilou Lab
Classification: Benign for Methylcobalamin deficiency type cblE. Last evaluated: 2021-09-05. Review status: criteria provided, single submitter. Criteria: ACMG Guidelines, 2015. Collection method: clinical testing. Allele origin: germline. Affected: no.

Pars Genome Lab
Classification: Benign for Methylcobalamin deficiency type cblE. Last evaluated: 2021-06-19. Review status: criteria provided, single submitter. Criteria: ACMG Guidelines, 2015. Collection method: clinical testing. Allele origin: germline. Affected: no.

Illumina Laboratory Services, Illumina
Classification: Benign for Disorders of Intracellular Cobalamin Metabolism. Last evaluated: 2018-01-13. Review status: criteria provided, single submitter. Criteria: ICSL Variant Classification Criteria 13 December 2019. Collection method: clinical testing. Allele origin: germline.
Comment: This variant was observed in the ICSL laboratory as part of a predisposition screen in an ostensibly healthy population. It had not been previously curated by ICSL or reported in the Human Gene Mutation Database (HGMD: prior to June 1st, 2018), and was therefore a candidate for classification through an automated scoring system. Utilizing variant allele frequency, disease prevalence and penetrance estimates, and inheritance mode, an automated score was calculated to assess if this variant is too frequent to cause the disease. Based on the score and internal cut-off values, a variant classified as benign is not then subjected to further curation. The score for this variant resulted in a classification of benign for this disease.

GeneDx
Classification: Benign. Last evaluated: 2013-08-26. Review status: criteria provided, single submitter. Criteria: GeneDx Variant Classification (06012015). Collection method: clinical testing. Allele origin: germline. Affected: yes.
Comment: This variant is considered likely benign or benign based on one or more of the following criteria: it is a conservative change, it occurs at a poorly conserved position in the protein, it is predicted to be benign by multiple in silico algorithms, and/or has population frequency not consistent with disease.

Breakthrough Genomics
Classification: Benign. Review status: criteria provided, single submitter. Criteria: ACMG Guidelines, 2015. Collection method: not provided. Allele origin: germline. Inheritance: Autosomal recessive inheritance. Affected: yes.

Natera, Inc.
Classification: Benign for CblE complementation type homocystinuria-megaloblastic anemia due to defect in cobalamin metabolism. Last evaluated: 2020-09-16. Review status: no assertion criteria provided. Collection method: clinical testing. Allele origin: germline. Not counted in ClinVar's aggregate classification.

Clinical Genetics, Academic Medical Center
Classification: Benign. Review status: no assertion criteria provided. Collection method: clinical testing. Allele origin: germline. Affected: yes. Study: VKGL Data-share Consensus. Not counted in ClinVar's aggregate classification.

Diagnostic Laboratory, Department of Genetics, University Medical Center Groningen
Classification: Benign. Review status: no assertion criteria provided. Collection method: clinical testing. Allele origin: germline. Affected: yes. Study: VKGL Data-share Consensus. Not counted in ClinVar's aggregate classification.